The following is an entry in ClinVar:

ClinVar aggregate classification (germline): Likely benign (1 of 4 stars; one submission).

gnomAD v4.1: 2 of 1,614,168 alleles (0.00012%); highest among the groups gnomAD compares: Non-Finnish European, 0.00017%; no homozygotes.

Submission:

CeGaT Center for Human Genetics Tuebingen
Classification: Likely benign. Last evaluated: 2025-02-01. Review status: criteria provided, single submitter. Criteria: CeGaT Center For Human Genetics Tuebingen Variant Classification Criteria Version 2. Collection method: clinical testing. Allele origin: germline. Affected: yes. Observed: 1 variant allele.
Comment: SCAF4: BP4, BP7

NM_020706.2(SCAF4):c.1215T>C (p.Leu405=)

Gene: SCAF4 (SR-related CTD associated factor 4; minus strand). Cytogenetic location: 21q22.11.
Variant type: single nucleotide variant.
Coding change: c.1215T>C on transcript NM_020706.2 (MANE Select); coding-DNA position 1215, T replaced by C.
Protein change: p.Leu405=; no amino-acid change (leucine 405 retained).
Molecular consequence: synonymous variant.
Genome position (GRCh38, 1-based): chr21:31,694,834, A>G on the plus strand (T>C on the coding strand, the complement: SCAF4 is on the minus strand). VCF-style: chr21-31694834-A-G. GRCh37 (hg19) VCF-style: chr21-33067147-A-G.
Other names: c.1170T>C, p.Leu390= (NM_001145444.1); c.1215T>C, p.Leu405= (NM_001145445.1).
Identifiers: ClinVar variation 3771488 (VCV003771488.13).
Genomic context (GRCh38, chr21:31,694,834, plus strand): 5'-AACAAAAAAAGATAAAACTATCTGAGAATAAAGTTTTACCTGCTGATGCGGCTTCTGTGT[A>G]AGTGGTTCATTTTGTGCCTGAAAAGAAGCTTGGAAAGGCTGCTGCACTGGTGGAGTTGGA-3'
Protein context (NP_065757.1, residues 395-415): QASFQAQNEP[Leu405=]TQKPHQQEME